The following is an entry in ClinVar:

ClinVar aggregate classification (germline): Uncertain significance (1 of 4 stars; one submission).

Conditions:
Inborn genetic diseases. Identifiers: MedGen C0950123, MeSH D030342.

Submission:

Ambry Genetics
Classification: Uncertain significance for Inborn genetic diseases. Last evaluated: 2025-12-10. Review status: criteria provided, single submitter. Criteria: Ambry Variant Classification Scheme 2023. Collection method: clinical testing. Allele origin: germline.
Comment: The p.L237V variant (also known as c.709C>G), located in coding exon 5 of the SBDS gene, results from a C to G substitution at nucleotide position 709. The leucine at codon 237 is replaced by valine, an amino acid with highly similar properties. This amino acid position is conserved. In addition, the in silico prediction for this alteration is inconclusive. Based on the available evidence, the clinical significance of this variant remains unclear.

NM_016038.4(SBDS):c.709C>G (p.Leu237Val)

Gene: SBDS (SBDS ribosome maturation factor; minus strand). Cytogenetic location: 7q11.21.
Variant type: single nucleotide variant.
Coding change: c.709C>G on transcript NM_016038.4 (MANE Select); coding-DNA position 709, C replaced by G.
Protein change: p.Leu237Val; replaces leucine 237 with valine.
Molecular consequence: missense variant.
Genome position (GRCh38, 1-based): chr7:66,988,415, G>C on the plus strand (C>G on the coding strand, the complement: SBDS is on the minus strand). VCF-style: chr7-66988415-G-C. GRCh37 (hg19) VCF-style: chr7-66453402-G-C.
Other names: short protein forms L237V.
Identifiers: ClinVar variation 4630249 (VCV004630249.1).